The following is an entry in ClinVar:

ClinVar aggregate classification (germline): Uncertain significance (1 of 4 stars; one submission).

Conditions:
3-methylglutaconic aciduria, type VIIB (MGCA7B). Also called: 3-methylglutaconic aciduria with cataracts, neurologic involvement and neutropenia; 3-methylglutaconic aciduria, type VII, with cataracts, neurologic involvement and neutropenia; CLPB Deficiency. Identifiers: Orphanet 445038, MedGen C5676893, MONDO:0014561, OMIM 616271.

Allele frequency attached by ClinVar (database versions not stated): gnomAD 0.00001; gnomAD exomes 0.00001; TOPMed 0.00001; ExAC 0.00003.
gnomAD v4.1: 14 of 1,614,016 alleles (0.00087%); highest among the groups gnomAD compares: South Asian, 0.0044%; no homozygotes.

Submission:

Labcorp Genetics (formerly Invitae), Labcorp
Classification: Uncertain significance for 3-methylglutaconic aciduria, type VIIB. Last evaluated: 2024-04-26. Review status: criteria provided, single submitter. Criteria: Invitae Variant Classification Sherloc (09022015). Collection method: clinical testing. Allele origin: germline.
Comment: This sequence change replaces arginine, which is basic and polar, with cysteine, which is neutral and slightly polar, at codon 520 of the CLPB protein (p.Arg520Cys). This variant is present in population databases (rs773040549, gnomAD 0.006%). This variant has not been reported in the literature in individuals affected with CLPB-related conditions. ClinVar contains an entry for this variant (Variation ID: 1019403). An algorithm developed to predict the effect of missense changes on protein structure and function (PolyPhen-2) suggests that this variant is likely to be disruptive. In summary, the available evidence is currently insufficient to determine the role of this variant in disease. Therefore, it has been classified as a Variant of Uncertain Significance.

NM_001258392.3(CLPB):c.1468C>T (p.Arg490Cys)

Gene: CLPB (ClpB family mitochondrial disaggregase; minus strand). Cytogenetic location: 11q13.4.
Variant type: single nucleotide variant.
Coding change: c.1468C>T on transcript NM_001258392.3 (MANE Select); coding-DNA position 1468, C replaced by T.
Protein change: p.Arg490Cys; replaces arginine 490 with cysteine.
Molecular consequence: missense variant.
Genome position (GRCh38, 1-based): chr11:72,295,510, G>A on the plus strand (C>T on the coding strand, the complement: CLPB is on the minus strand). VCF-style: chr11-72295510-G-A. GRCh37 (hg19) VCF-style: chr11-72006554-G-A.
Other names: c.1381C>T, p.Arg461Cys (NM_001258393.3); c.1423C>T, p.Arg475Cys (NM_001258394.3); c.1558C>T, p.Arg520Cys (NM_030813.6); short protein forms R461C, R475C, R490C, R520C.
Identifiers: ClinVar variation 1019403 (VCV001019403.9), dbSNP rs773040549, ClinGen allele CA6171164.